The following is an entry in ClinVar:

NM_001128164.2(ATXN1):c.1068C>A (p.Tyr356Ter)

Gene: ATXN1 (ataxin 1; minus strand). Cytogenetic location: 6p22.3.
Variant type: single nucleotide variant.
Coding change: c.1068C>A on transcript NM_001128164.2 (MANE Select); coding-DNA position 1068, C replaced by A.
Protein change: p.Tyr356Ter; replaces tyrosine 356 with a stop codon.
Molecular consequence: nonsense. On other transcripts: 3 prime UTR variant (1).
Genome position (GRCh38, 1-based): chr6:16,327,243, G>T on the plus strand (C>A on the coding strand, the complement: ATXN1 is on the minus strand). VCF-style: chr6-16327243-G-T. GRCh37 (hg19) VCF-style: chr6-16327474-G-T.
Other names: c.1068C>A, p.Tyr356Ter (NM_000332.4); c.*481C>A (NM_001357857.2); short protein forms Y356*.
Identifiers: ClinVar variation 1311065 (VCV001311065.3), dbSNP rs537873773, ClinGen allele CA362811108.

ClinVar aggregate classification (germline): Uncertain significance (1 of 4 stars; one submission).

Submission:

GeneDx
Classification: Uncertain significance. Last evaluated: 2020-01-07. Review status: criteria provided, single submitter. Criteria: GeneDx Variant Classification Process June 2021. Collection method: clinical testing. Allele origin: germline. Affected: yes.
Comment: Not observed in large population cohorts (Lek et al., 2016); Nonsense variant predicted to result in protein truncation or nonsense mediated decay in a gene for which loss-of-function is not a known mechanism of disease; Has not been previously published as pathogenic or benign to our knowledge